The following is an entry in ClinVar:

NM_181882.3(PRX):c.3416A>G (p.His1139Arg)

Gene: PRX (periaxin; minus strand). Cytogenetic location: 19q13.2.
Variant type: single nucleotide variant.
Coding change: c.3416A>G on transcript NM_181882.3 (MANE Select); coding-DNA position 3416, A replaced by G.
Protein change: p.His1139Arg; replaces histidine 1139 with arginine.
Molecular consequence: missense variant. On other transcripts: 3 prime UTR variant (1).
Genome position (GRCh38, 1-based): chr19:40,394,936, T>C on the plus strand (A>G on the coding strand, the complement: PRX is on the minus strand). VCF-style: chr19-40394936-T-C. GRCh37 (hg19) VCF-style: chr19-40900843-T-C.
Other names: c.*3621A>G (NM_020956.2); short protein forms H1139R.
Identifiers: ClinVar variation 543379 (VCV000543379.10), dbSNP rs1268527552, ClinGen allele CA405893814.

ClinVar aggregate classification (germline): Uncertain significance. Review status: criteria provided, multiple submitters, no conflicts (2 of 4 stars). 2 submissions from 2 submitters: Uncertain significance (2). Last evaluated 2026-02-01.

Conditions:
Charcot-Marie-Tooth disease type 4. Also called: Charcot-Marie-Tooth disease, type IV; Charcot-Marie-Tooth, Type 4. Identifiers: Orphanet 64749, MedGen C4082197, MONDO:0018995.

Allele frequency attached by ClinVar (database versions not stated): TOPMed below 0.00001; gnomAD 0.00001; gnomAD exomes 0.00001.
gnomAD v4.1: 4 of 1,609,122 alleles (0.00025%); highest among the groups gnomAD compares: Non-Finnish European, 0.00034%; no homozygotes.

Submissions (2):

CeGaT Center for Human Genetics Tuebingen
Classification: Uncertain significance. Last evaluated: 2026-02-01. Review status: criteria provided, single submitter. Criteria: CeGaT Center For Human Genetics Tuebingen Variant Classification Criteria Version 2. Collection method: clinical testing. Allele origin: germline. Affected: yes. Observed: 1 variant allele.
Comment: PRX: PM2, BP4

Labcorp Genetics (formerly Invitae), Labcorp
Classification: Uncertain significance for Charcot-Marie-Tooth disease type 4. Last evaluated: 2021-08-24. Review status: criteria provided, single submitter. Criteria: Invitae Variant Classification Sherloc (09022015). Collection method: clinical testing. Allele origin: germline.
Comment: This sequence change replaces histidine with arginine at codon 1139 of the PRX protein (p.His1139Arg). The histidine residue is weakly conserved and there is a small physicochemical difference between histidine and arginine. This variant is not present in population databases (ExAC no frequency). This variant has not been reported in the literature in individuals affected with PRX-related conditions. Algorithms developed to predict the effect of missense changes on protein structure and function output the following: SIFT: "Tolerated"; PolyPhen-2: "Benign"; Align-GVGD: "Class C0". The arginine amino acid residue is found in multiple mammalian species, which suggests that this missense change does not adversely affect protein function. In summary, the available evidence is currently insufficient to determine the role of this variant in disease. Therefore, it has been classified as a Variant of Uncertain Significance.